The following is an entry in ClinVar:

NM_015335.5(MED13L):c.5563G>A (p.Val1855Ile)

Gene: MED13L (mediator complex subunit 13L; minus strand). Cytogenetic location: 12q24.21.
Variant type: single nucleotide variant.
Coding change: c.5563G>A on transcript NM_015335.5 (MANE Select); coding-DNA position 5563, G replaced by A.
Protein change: p.Val1855Ile; replaces valine 1855 with isoleucine.
Molecular consequence: missense variant.
Genome position (GRCh38, 1-based): chr12:115,975,540, C>T on the plus strand (G>A on the coding strand, the complement: MED13L is on the minus strand). VCF-style: chr12-115975540-C-T. GRCh37 (hg19) VCF-style: chr12-116413345-C-T.
Other names: c.5563G>A (NM_015335.4); short protein forms V1855I.
Identifiers: ClinVar variation 1094975 (VCV001094975.13), dbSNP rs182752795, ClinGen allele CA6810566.

ClinVar aggregate classification (germline): Likely benign. Review status: criteria provided, multiple submitters, no conflicts (2 of 4 stars). 4 submissions from 4 submitters: Likely benign (3). 1 of the submissions does not count toward it. Last evaluated 2025-11-23.

Conditions:
Dextro-looped transposition of the great arteries. Also called: Dextrotransposition of the great arteries. Identifiers: Orphanet 860, MedGen C3531771, MONDO:0019443, OMIM 608808, HP:0031348.
MED13L-related disorder. Also called: MED13L-related condition.
Intellectual disability. Also called: Intellectual functioning disability; intellectual disabilities; Intellectual developmental disorder. Identifiers: MedGen C3714756, MeSH D008607, MONDO:0001071, HP:0001249.
Inborn genetic diseases. Identifiers: MedGen C0950123, MeSH D030342.

Allele frequency attached by ClinVar (database versions not stated): 1000 Genomes Project 0.00040; gnomAD exomes 0.00011 and 0.00004; ExAC 0.00009; TOPMed 0.00022; 1000 Genomes Project 30x 0.00047.
gnomAD v4.1: 81 of 1,614,032 alleles (0.005%); highest among the groups gnomAD compares: Admixed American, 0.055%; no homozygotes.

Submissions (4):

Labcorp Genetics (formerly Invitae), Labcorp
Classification: Likely benign for Dextro-looped transposition of the great arteries. Last evaluated: 2025-11-23. Review status: criteria provided, single submitter. Criteria: Invitae Variant Classification Sherloc (09022015). Collection method: clinical testing. Allele origin: germline.

Ambry Genetics
Classification: Likely benign for Inborn genetic diseases. Last evaluated: 2023-06-07. Review status: criteria provided, single submitter. Criteria: Ambry Variant Classification Scheme 2023. Collection method: clinical testing. Allele origin: germline.

Cambridge Genomics Laboratory, East Genomic Laboratory Hub, NHS Genomic Medicine Service
Classification: Likely benign for Intellectual disability. Last evaluated: 2019-04-17. Review status: criteria provided, single submitter. Criteria: ACGS Best Practice Guidelines for Variant Classification in Rare Disease 2020. Collection method: clinical testing. Allele origin: germline. Affected: yes. Observed: 1 variant allele.

PreventionGenetics, part of Exact Sciences
Classification: Likely benign for MED13L-related condition. Last evaluated: 2022-06-14. Review status: no assertion criteria provided. Collection method: clinical testing. Allele origin: germline. Not counted in ClinVar's aggregate classification.
Comment: This variant is classified as likely benign based on ACMG/AMP sequence variant interpretation guidelines (Richards et al. 2015 PMID: 25741868, with internal and published modifications).